The following is an entry in ClinVar:

NC_000010.10:g.(?_73269829)_(73405747_?)dup

Gene: CDH23 (cadherin related 23; plus strand). Cytogenetic location: 10q22.1.
Variant type: Duplication.
Identifiers: ClinVar variation 1523961 (VCV001523961.4).

ClinVar aggregate classification (germline): Likely pathogenic (1 of 4 stars; one submission).

Submission:

Labcorp Genetics (formerly Invitae), Labcorp
Classification: Likely pathogenic. Last evaluated: 2021-02-16. Review status: criteria provided, single submitter. Criteria: Invitae Variant Classification Sherloc (09022015). Collection method: clinical testing. Allele origin: germline.
Comment: In summary, the currently available evidence indicates that the variant is pathogenic, but additional data are needed to prove that conclusively. Therefore, this variant has been classified as Likely Pathogenic. This variant has not been reported in the literature in individuals with CDH23-related conditions. This variant results in a copy number gain of the genomic region encompassing exon(s) 4-13 of the CDH23 gene. While the exact position of this variant cannot be determined from the data, sub-genic copy number gains are generally in tandem (PMID: 25640679). This variant is predicted to be out-of-frame, and may result in an absent or disrupted protein product. Loss-of-function variants in CDH23 are known to be pathogenic (PMID: 11138009, 21940737).

Literature cited by the submitters: PubMed 25640679; PubMed 11138009; PubMed 21940737.